The following is an entry in ClinVar:

NM_004364.5(CEBPA):c.136C>T (p.Pro46Ser)

Gene: CEBPA (CCAAT enhancer binding protein alpha; minus strand). Cytogenetic location: 19q13.11.
Variant type: single nucleotide variant.
Coding change: c.136C>T on transcript NM_004364.5 (MANE Select); coding-DNA position 136, C replaced by T.
Protein change: p.Pro46Ser; replaces proline 46 with serine.
Molecular consequence: missense variant. On other transcripts: 5 prime UTR variant (1).
Genome position (GRCh38, 1-based): chr19:33,302,279, G>A on the plus strand (C>T on the coding strand, the complement: CEBPA is on the minus strand). VCF-style: chr19-33302279-G-A. GRCh37 (hg19) VCF-style: chr19-33793185-G-A.
Other names: c.-222C>T (NM_001285829.2); c.241C>T, p.Pro81Ser (NM_001287424.2); c.94C>T, p.Pro32Ser (NM_001287435.2); short protein forms P81S, P32S, P46S.
Identifiers: ClinVar variation 4225031 (VCV004225031.1).

ClinVar aggregate classification (germline): Uncertain significance (1 of 4 stars; one submission).

Conditions:
Inborn genetic diseases. Identifiers: MedGen C0950123, MeSH D030342.

Submission:

Ambry Genetics
Classification: Uncertain significance for Inborn genetic diseases. Last evaluated: 2025-07-01. Review status: criteria provided, single submitter. Criteria: Ambry Variant Classification Scheme 2023. Collection method: clinical testing. Allele origin: germline.
Comment: The p.P46S variant (also known as c.136C>T), located in coding exon 1 of the CEBPA gene, results from a C to T substitution at nucleotide position 136. The proline at codon 46 is replaced by serine, an amino acid with similar properties. This amino acid position is conserved. In addition, this alteration is predicted to be tolerated by in silico analysis. Based on the available evidence, the clinical significance of this variant remains unclear.